The following is an entry in ClinVar:

ClinVar aggregate classification (germline): Uncertain significance. Review status: criteria provided, multiple submitters, no conflicts (2 of 4 stars). 2 submissions from 2 submitters: Uncertain significance (2). Last evaluated 2025-05-12.

Conditions:
Acute myeloid leukemia (AML). Also called: Acute myeloid leukemia, adult; AML adult; Acute non-lymphocytic leukemia; Acute granulocytic leukemia; Leukemia, acute myeloid, somatic; Leukemia, acute myelogenous, somatic. Identifiers: Orphanet 519, MedGen C0023467, MeSH D015470, MONDO:0018874, OMIM 601626, HP:0004808. Disease mechanism: Constitutively activated FLT3.
Inborn genetic diseases. Identifiers: MedGen C0950123, MeSH D030342.

Submissions (2):

Labcorp Genetics (formerly Invitae), Labcorp
Classification: Uncertain significance for Acute myeloid leukemia. Last evaluated: 2025-05-12. Review status: criteria provided, single submitter. Criteria: Invitae Variant Classification Sherloc (09022015). Collection method: clinical testing. Allele origin: germline.
Comment: This sequence change replaces proline, which is neutral and non-polar, with arginine, which is basic and polar, at codon 39 of the CEBPA protein (p.Pro39Arg). This variant is present in population databases (no rsID available, gnomAD 0.003%). This variant has not been reported in the literature in individuals affected with CEBPA-related conditions. ClinVar contains an entry for this variant (Variation ID: 2031547). An algorithm developed to predict the effect of missense changes on protein structure and function (PolyPhen-2) suggests that this variant is likely to be disruptive. In summary, the available evidence is currently insufficient to determine the role of this variant in disease. Therefore, it has been classified as a Variant of Uncertain Significance.

Ambry Genetics
Classification: Uncertain significance for Inborn genetic diseases. Last evaluated: 2025-04-01. Review status: criteria provided, single submitter. Criteria: Ambry Variant Classification Scheme 2023. Collection method: clinical testing. Allele origin: germline.
Comment: The p.P39R variant (also known as c.116C>G), located in coding exon 1 of the CEBPA gene, results from a C to G substitution at nucleotide position 116. The proline at codon 39 is replaced by arginine, an amino acid with dissimilar properties. This amino acid position is conserved. In addition, this alteration is predicted to be tolerated by in silico analysis. Based on the available evidence, the clinical significance of this variant remains unclear.

NM_004364.5(CEBPA):c.116C>G (p.Pro39Arg)

Gene: CEBPA (CCAAT enhancer binding protein alpha; minus strand). Cytogenetic location: 19q13.11.
Variant type: single nucleotide variant.
Coding change: c.116C>G on transcript NM_004364.5 (MANE Select); coding-DNA position 116, C replaced by G.
Protein change: p.Pro39Arg; replaces proline 39 with arginine.
Molecular consequence: missense variant. On other transcripts: 5 prime UTR variant (1).
Genome position (GRCh38, 1-based): chr19:33,302,299, G>C on the plus strand (C>G on the coding strand, the complement: CEBPA is on the minus strand). VCF-style: chr19-33302299-G-C. GRCh37 (hg19) VCF-style: chr19-33793205-G-C.
Other names: c.-242C>G (NM_001285829.2); c.221C>G, p.Pro74Arg (NM_001287424.2); c.74C>G, p.Pro25Arg (NM_001287435.2); short protein forms P25R, P39R, P74R.
Identifiers: ClinVar variation 2031547 (VCV002031547.5), dbSNP rs1060502125, ClinGen allele CA405275643.
Genomic context (GRCh38, chr19:33,302,299, plus strand): 5'-TCGTGCTCGCAGATGCCGCCCAGCGGCTCCGGGGCGGCAGGTGGGGCGGGAGGCTGCGCG[G>C]GGCCCGCGCCCCGGGGAAAGCCGAAGGCGGCGCTGCTGGGCGCGTGCGGGGGGCTCTGCA-3'
Protein context (NP_004355.2, residues 29-49): AAFGFPRGAG[Pro39Arg]AQPPAPPAAP